The following is an entry in ClinVar:

NM_000101.4(CYBA):c.73G>C (p.Gly25Arg)

Gene: CYBA (cytochrome b-245 alpha chain; minus strand). Cytogenetic location: 16q24.2.
Variant type: single nucleotide variant.
Coding change: c.73G>C on transcript NM_000101.4 (MANE Select); coding-DNA position 73, G replaced by C.
Protein change: p.Gly25Arg; replaces glycine 25 with arginine.
Molecular consequence: missense variant.
Genome position (GRCh38, 1-based): chr16:88,648,100, C>G on the plus strand (G>C on the coding strand, the complement: CYBA is on the minus strand). VCF-style: chr16-88648100-C-G. GRCh37 (hg19) VCF-style: chr16-88714508-C-G.
Other names: short protein forms G25R.
Identifiers: ClinVar variation 2836380 (VCV002836380.3), dbSNP rs1191795377, ClinGen allele CA397066004.
Genomic context (GRCh38, chr16:88,648,100, plus strand): 5'-GATACATGGAGTAGGCACCAAAGTACCACTGGGTGAAGCGCCCAGCTGTGGCCACGATGC[C>G]CCCGGTGATGAGGACTGCGGGGAGAAGTGGGTCAGGCACTGTGGGGCTCCCGTCCCGGGG-3'
Protein context (NP_000092.2, residues 15-35): LASGLILITG[Gly25Arg]IVATAGRFTQ

ClinVar aggregate classification (germline): Uncertain significance (1 of 4 stars; one submission).

Conditions:
Granulomatous disease, chronic, autosomal recessive, cytochrome b-negative. Also called: GRANULOMATOUS DISEASE, CHRONIC, AUTOSOMAL RECESSIVE, 4; CGD DUE TO DEFICIENCY OF THE ALPHA SUBUNIT OF CYTOCHROME b; CGD, AUTOSOMAL RECESSIVE CYTOCHROME b-NEGATIVE; CYBA DEFICIENCY; Chronic granulomatous disease, autosomal, due to deficiency of CYBA. Identifiers: Orphanet 379, MedGen C1856255, MONDO:0009308, OMIM 233690.

Submission:

Labcorp Genetics (formerly Invitae), Labcorp
Classification: Uncertain significance for Granulomatous disease, chronic, autosomal recessive, cytochrome b-negative. Last evaluated: 2024-02-05. Review status: criteria provided, single submitter. Criteria: Invitae Variant Classification Sherloc (09022015). Collection method: clinical testing. Allele origin: germline.
Comment: This sequence change replaces glycine, which is neutral and non-polar, with arginine, which is basic and polar, at codon 25 of the CYBA protein (p.Gly25Arg). This variant is not present in population databases (gnomAD no frequency). This variant has not been reported in the literature in individuals affected with CYBA-related conditions. An algorithm developed to predict the effect of missense changes on protein structure and function (PolyPhen-2) suggests that this variant is likely to be disruptive. In summary, the available evidence is currently insufficient to determine the role of this variant in disease. Therefore, it has been classified as a Variant of Uncertain Significance.